The following is an entry in ClinVar:

ClinVar aggregate classification (germline): Likely pathogenic (1 of 4 stars; one submission).

Conditions:
Amyloidosis, hereditary systemic 1 (AMYLD1). Also called: Familial amyloid polyneuropathy; Transthyretin Amyloidosis; Amyloid Cardiomyopathy, Transthyretin-related; Hereditary oculoleptomeningeal amyloid angiopathy; Familial Transthyretin Amyloidosis; AMYLOID CARDIOMYOPATHY. Identifiers: Orphanet 85447, Orphanet 85451, MedGen C2751492, MONDO:0971004, OMIM 105210.

Allele frequency attached by ClinVar (database versions not stated): TOPMed below 0.00001.

Submission:

Labcorp Genetics (formerly Invitae), Labcorp
Classification: Likely pathogenic for Amyloidosis, hereditary systemic 1. Last evaluated: 2023-03-23. Review status: criteria provided, single submitter. Criteria: Invitae Variant Classification Sherloc (09022015). Collection method: clinical testing. Allele origin: germline.
Comment: This sequence change replaces proline, which is neutral and non-polar, with leucine, which is neutral and non-polar, at codon 44 of the TTR protein (p.Pro44Leu). This variant is not present in population databases (gnomAD no frequency). This variant has not been reported in the literature in individuals affected with TTR-related conditions. ClinVar contains an entry for this variant (Variation ID: 948928). Advanced modeling of protein sequence and biophysical properties (such as structural, functional, and spatial information, amino acid conservation, physicochemical variation, residue mobility, and thermodynamic stability) performed at Invitae indicates that this missense variant is expected to disrupt TTR protein function. This variant disrupts the p.Pro44 amino acid residue in TTR. Other variant(s) that disrupt this residue have been determined to be pathogenic (PMID: 7643356, 17503405, 24650283). This suggests that this residue is clinically significant, and that variants that disrupt this residue are likely to be disease-causing. In summary, the currently available evidence indicates that the variant is pathogenic, but additional data are needed to prove that conclusively. Therefore, this variant has been classified as Likely Pathogenic.

Literature cited by the submitters: PubMed 7643356; PubMed 17503405; PubMed 24650283.

NM_000371.4(TTR):c.131C>T (p.Pro44Leu)

Gene: TTR (transthyretin; plus strand). Cytogenetic location: 18q12.1.
Variant type: single nucleotide variant.
Coding change: c.131C>T on transcript NM_000371.4 (MANE Select); coding-DNA position 131, C replaced by T.
Protein change: p.Pro44Leu; replaces proline 44 with leucine.
Molecular consequence: missense variant.
Genome position (GRCh38, 1-based): chr18:31,592,957, C>T. VCF-style: chr18-31592957-C-T. GRCh37 (hg19) VCF-style: chr18-29172920-C-T.
Other names: short protein forms P44L.
Identifiers: ClinVar variation 948928 (VCV000948928.9), dbSNP rs1415606768, ClinGen allele CA402156678.
Genomic context (GRCh38, chr18:31,592,957, plus strand): 5'-GCACCGGTGAATCCAAGTGTCCTCTGATGGTCAAAGTTCTAGATGCTGTCCGAGGCAGTC[C>T]TGCCATCAATGTGGCCGTGCATGTGTTCAGAAAGGCTGCTGATGACACCTGGGAGCCATT-3'
Protein context (NP_000362.1, residues 34-54): VKVLDAVRGS[Pro44Leu]AINVAVHVFR